The following is an entry in ClinVar:

ClinVar aggregate classification (germline): Uncertain significance (1 of 4 stars; one submission).

Conditions:
Developmental and epileptic encephalopathy, 21 (DEE21). Also called: Early infantile epileptic encephalopathy 21. Identifiers: Orphanet 442835, MedGen C4014430, MONDO:0014360, OMIM 615833.

Submission:

Labcorp Genetics (formerly Invitae), Labcorp
Classification: Uncertain significance for Developmental and epileptic encephalopathy, 21. Last evaluated: 2022-10-17. Review status: criteria provided, single submitter. Criteria: Invitae Variant Classification Sherloc (09022015). Collection method: clinical testing. Allele origin: germline.
Comment: In summary, the available evidence is currently insufficient to determine the role of this variant in disease. Therefore, it has been classified as a Variant of Uncertain Significance. Algorithms developed to predict the effect of sequence changes on RNA splicing suggest that this variant may disrupt the consensus splice site. This variant has not been reported in the literature in individuals affected with NECAP1-related conditions. This variant is not present in population databases (gnomAD no frequency). This sequence change falls in intron 3 of the NECAP1 gene. It does not directly change the encoded amino acid sequence of the NECAP1 protein.

NM_015509.4(NECAP1):c.302-12C>G

Gene: NECAP1 (NECAP endocytosis associated 1; plus strand). Cytogenetic location: 12p13.31.
Variant type: single nucleotide variant.
Coding change: c.302-12C>G on transcript NM_015509.4 (MANE Select); 12 bases into the intron before coding-DNA position 302, C replaced by G.
Molecular consequence: intron variant.
Genome position (GRCh38, 1-based): chr12:8,091,757, C>G. VCF-style: chr12-8091757-C-G. GRCh37 (hg19) VCF-style: chr12-8244353-C-G.
Identifiers: ClinVar variation 2162832 (VCV002162832.4), dbSNP rs762117119, ClinGen allele CA2580086296.